The following is an entry in ClinVar:

ClinVar aggregate classification (germline): Uncertain significance (1 of 4 stars; one submission).

Conditions:
Growth hormone insensitivity with immune dysregulation 1, autosomal recessive. Also called: Laron syndrome with immunodeficiency; GROWTH HORMONE INSENSITIVITY SYNDROME WITH IMMUNE DYSREGULATION 1, AUTOSOMAL RECESSIVE; GROWTH HORMONE INSENSITIVITY DUE TO POSTRECEPTOR DEFECT; LARON SYNDROME DUE TO POSTRECEPTOR DEFECT. Identifiers: Orphanet 220465, MedGen C5435698, MONDO:0100211, OMIM 245590.

Submission:

Labcorp Genetics (formerly Invitae), Labcorp
Classification: Uncertain significance for Growth hormone insensitivity with immune dysregulation 1, autosomal recessive. Last evaluated: 2024-11-03. Review status: criteria provided, single submitter. Criteria: Invitae Variant Classification Sherloc (09022015). Collection method: clinical testing. Allele origin: germline.
Comment: This sequence change falls in intron 3 of the STAT5B gene. It does not directly change the encoded amino acid sequence of the STAT5B protein. It affects a nucleotide within the consensus splice site. This variant is not present in population databases (gnomAD no frequency). This variant has not been reported in the literature in individuals affected with STAT5B-related conditions. Variants that disrupt the consensus splice site are a relatively common cause of aberrant splicing (PMID: 17576681, 9536098). Algorithms developed to predict the effect of sequence changes on RNA splicing suggest that this variant is not likely to affect RNA splicing. In summary, the available evidence is currently insufficient to determine the role of this variant in disease. Therefore, it has been classified as a Variant of Uncertain Significance.

Literature cited by the submitters: PubMed 17576681; PubMed 9536098.

NM_012448.4(STAT5B):c.285+4G>A

Gene: STAT5B (signal transducer and activator of transcription 5B; minus strand). Cytogenetic location: 17q21.2.
Variant type: single nucleotide variant.
Coding change: c.285+4G>A on transcript NM_012448.4 (MANE Select); 4 bases into the intron after coding-DNA position 285, G replaced by A.
Molecular consequence: intron variant.
Genome position (GRCh38, 1-based): chr17:42,227,525, C>T on the plus strand (G>A on the coding strand, the complement: STAT5B is on the minus strand). VCF-style: chr17-42227525-C-T. GRCh37 (hg19) VCF-style: chr17-40379543-C-T.
Identifiers: ClinVar variation 3724547 (VCV003724547.2).